The following is an entry in ClinVar:

ClinVar aggregate classification (germline): Uncertain significance. Review status: criteria provided, multiple submitters, no conflicts (2 of 4 stars). 2 submissions from 2 submitters: Uncertain significance (2). Last evaluated 2024-04-13.

Conditions:
Hypertrophic cardiomyopathy. Also called: HYPERTROPHIC MYOCARDIOPATHY. Identifiers: Orphanet 217569, MedGen C0007194, MeSH D002312, MONDO:0005045, HP:0001639.
Cardiovascular phenotype. Identifiers: MedGen CN230736.

Submissions (2):

Ambry Genetics
Classification: Uncertain significance for Cardiovascular phenotype. Last evaluated: 2024-04-13. Review status: criteria provided, single submitter. Criteria: Ambry Variant Classification Scheme 2023. Collection method: clinical testing. Allele origin: germline.
Comment: The p.C67Y variant (also known as c.200G>A), located in coding exon 3 of the MYL3 gene, results from a G to A substitution at nucleotide position 200. The cysteine at codon 67 is replaced by tyrosine, an amino acid with highly dissimilar properties. This amino acid position is conserved. In addition, this alteration is predicted to be tolerated by in silico analysis. Based on the available evidence, the clinical significance of this variant remains unclear.

Labcorp Genetics (formerly Invitae), Labcorp
Classification: Uncertain significance for Hypertrophic cardiomyopathy. Last evaluated: 2022-03-05. Review status: criteria provided, single submitter. Criteria: Invitae Variant Classification Sherloc (09022015). Collection method: clinical testing. Allele origin: germline.
Comment: This sequence change replaces cysteine, which is neutral and slightly polar, with tyrosine, which is neutral and polar, at codon 67 of the MYL3 protein (p.Cys67Tyr). This variant is not present in population databases (gnomAD no frequency). This variant has not been reported in the literature in individuals affected with MYL3-related conditions. Algorithms developed to predict the effect of missense changes on protein structure and function are either unavailable or do not agree on the potential impact of this missense change (SIFT: "Tolerated"; PolyPhen-2: "Possibly Damaging"; Align-GVGD: "Class C0"). In summary, the available evidence is currently insufficient to determine the role of this variant in disease. Therefore, it has been classified as a Variant of Uncertain Significance.

NM_000258.3(MYL3):c.200G>A (p.Cys67Tyr)

Gene: MYL3 (myosin light chain 3; minus strand). Cytogenetic location: 3p21.31.
Variant type: single nucleotide variant.
Coding change: c.200G>A on transcript NM_000258.3 (MANE Select); coding-DNA position 200, G replaced by A.
Protein change: p.Cys67Tyr; replaces cysteine 67 with tyrosine.
Molecular consequence: missense variant.
Genome position (GRCh38, 1-based): chr3:46,860,783, C>T on the plus strand (G>A on the coding strand, the complement: MYL3 is on the minus strand). VCF-style: chr3-46860783-C-T. GRCh37 (hg19) VCF-style: chr3-46902273-C-T.
Other names: c.200G>A, p.Cys67Tyr (NM_001406937.1, NM_001406938.1, NM_001406939.1); c.26G>A, p.Cys9Tyr (NM_001406940.1, NM_001406941.1); short protein forms C67Y, C9Y.
Identifiers: ClinVar variation 2099271 (VCV002099271.5), dbSNP rs2544967239, ClinGen allele CA352498483.